The following is an entry in ClinVar:

NM_000057.4(BLM):c.2223G>T (p.Lys741Asn)

Gene: BLM (BLM RecQ like helicase; plus strand). Cytogenetic location: 15q26.1.
Variant type: single nucleotide variant.
Coding change: c.2223G>T on transcript NM_000057.4 (MANE Select); coding-DNA position 2223, G replaced by T.
Protein change: p.Lys741Asn; replaces lysine 741 with asparagine.
Molecular consequence: missense variant.
Genome position (GRCh38, 1-based): chr15:90,766,939, G>T. VCF-style: chr15-90766939-G-T. GRCh37 (hg19) VCF-style: chr15-91310169-G-T.
Other names: c.2223G>T, p.Lys741Asn (NM_001287246.2, NM_001287247.2); c.1098G>T, p.Lys366Asn (NM_001287248.2); short protein forms K366N, K741N.
Identifiers: ClinVar variation 1787966 (VCV001787966.2), dbSNP rs1489393467, ClinGen allele CA393844823.

ClinVar aggregate classification (germline): Uncertain significance (1 of 4 stars; one submission).

Conditions:
Hereditary cancer-predisposing syndrome. Also called: Neoplastic Syndromes, Hereditary; Tumor predisposition; Hereditary Cancer Syndrome; Hereditary neoplastic syndrome. Identifiers: Orphanet 140162, MedGen C0027672, MeSH D009386, MONDO:0015356.

gnomAD v4.1: 1 of 1,604,242 alleles (0.000062%); highest among the groups gnomAD compares: South Asian, 0.0011%; no homozygotes.

Submission:

Ambry Genetics
Classification: Uncertain significance for Hereditary cancer-predisposing syndrome. Last evaluated: 2022-06-28. Review status: criteria provided, single submitter. Criteria: Ambry Variant Classification Scheme 2023. Collection method: clinical testing. Allele origin: germline.
Comment: The p.K741N variant (also known as c.2223G>T), located in coding exon 9 of the BLM gene, results from a G to T substitution at nucleotide position 2223. The lysine at codon 741 is replaced by asparagine, an amino acid with similar properties. This amino acid position is conserved. In addition, this alteration is predicted to be tolerated by in silico analysis. Since supporting evidence is limited at this time, the clinical significance of this alteration remains unclear.